The following is an entry in ClinVar:

NM_032968.5(PCDH11X):c.2834A>G (p.Gln945Arg)

Gene: PCDH11X (protocadherin 11 X-linked; plus strand). Cytogenetic location: Xq21.31.
Variant type: single nucleotide variant.
Coding change: c.2834A>G on transcript NM_032968.5 (MANE Select); coding-DNA position 2834, A replaced by G.
Protein change: p.Gln945Arg; replaces glutamine 945 with arginine.
Molecular consequence: missense variant.
Genome position (GRCh38, 1-based): chrX:91,879,074, A>G. VCF-style: chrX-91879074-A-G. GRCh37 (hg19) VCF-style: chrX-91134073-A-G.
Other names: c.2834A>G, p.Gln945Arg (NM_001168360.1, NM_001168361.1, NM_001168362.1 and 2 more transcripts); c.2834A>G (NM_032968.3); short protein forms Q945R.
Identifiers: ClinVar variation 2636350 (VCV002636350.2), dbSNP rs2521055275, ClinGen allele CA413981072.
Genomic context (GRCh38, chrX:91,879,074, plus strand): 5'-CTACTACTTTCAAGCCCGACAGCCCTGATTTGGCCCGACACTACAAATCTGCCTCTCCAC[A>G]GCCTGCCTTCCAAATTCAGCCTGAAACTCCCCTGAATTCGAAGCACCACATCATCCAAGA-3'
Protein context (NP_116750.1, residues 935-955): LARHYKSASP[Gln945Arg]PAFQIQPETP

ClinVar aggregate classification (germline): Uncertain significance. Review status: criteria provided, multiple submitters, no conflicts (2 of 4 stars). 2 submissions from 2 submitters: Uncertain significance (2). Last evaluated 2024-01-17.

Conditions:
PCDH11X-related disorder. Also called: PCDH11X-related condition.

Allele frequency attached by ClinVar (database versions not stated): gnomAD exomes 0.00001.
gnomAD v4.1: 4 of 1,211,464 alleles (0.00033%); highest among the groups gnomAD compares: South Asian, 0.007%; no homozygotes.

Submissions (2):

Ambry Genetics
Classification: Uncertain significance. Last evaluated: 2024-01-17. Review status: criteria provided, single submitter. Criteria: Ambry Variant Classification Scheme 2023. Collection method: clinical testing. Allele origin: germline.

PreventionGenetics, part of Exact Sciences
Classification: Uncertain significance for PCDH11X-related condition. Last evaluated: 2022-08-24. Review status: criteria provided, single submitter. Criteria: ACMG Guidelines, 2015. Collection method: clinical testing. Allele origin: germline.
Comment: The PCDH11X c.2834A>G variant is predicted to result in the amino acid substitution p.Gln945Arg. To our knowledge, this variant has not been reported in the literature or in a large population database, indicating this variant is rare. At this time, the clinical significance of this variant is uncertain due to the absence of conclusive functional and genetic evidence.